The following is an entry in ClinVar:

NM_172107.4(KCNQ2):c.1708C>T (p.Gln570Ter)

Gene: KCNQ2 (potassium voltage-gated channel subfamily Q member 2; minus strand). Cytogenetic location: 20q13.33.
Variant type: single nucleotide variant.
Coding change: c.1708C>T on transcript NM_172107.4 (MANE Select); coding-DNA position 1708, C replaced by T.
Protein change: p.Gln570Ter; replaces glutamine 570 with a stop codon.
Molecular consequence: nonsense.
Genome position (GRCh38, 1-based): chr20:63,413,505, G>A on the plus strand (C>T on the coding strand, the complement: KCNQ2 is on the minus strand). VCF-style: chr20-63413505-G-A. GRCh37 (hg19) VCF-style: chr20-62044858-G-A.
Other names: c.1624C>T, p.Gln542Ter (NM_004518.6); c.1654C>T, p.Gln552Ter (NM_172106.3); c.1615C>T, p.Gln539Ter (NM_172108.5); short protein forms Q542*, Q552*, Q570*, Q539*.
Identifiers: ClinVar variation 857615 (VCV000857615.8), dbSNP rs2080188103, ClinGen allele CA409643648.

ClinVar aggregate classification (germline): Pathogenic (1 of 4 stars; one submission).

Conditions:
Early-infantile DEE. Also called: Early infantile epileptic encephalopathy; Early infantile epileptic encephalopathy with suppression bursts; Ohtahara syndrome. Identifiers: Orphanet 1934, MedGen C0393706, MONDO:0800491.

Submission:

Labcorp Genetics (formerly Invitae), Labcorp
Classification: Pathogenic for Early-infantile DEE. Last evaluated: 2023-08-17. Review status: criteria provided, single submitter. Criteria: Invitae Variant Classification Sherloc (09022015). Collection method: clinical testing. Allele origin: germline.
Comment: This variant has not been reported in the literature in individuals affected with KCNQ2-related conditions. ClinVar contains an entry for this variant (Variation ID: 857615). For these reasons, this variant has been classified as Pathogenic. This variant is not present in population databases (gnomAD no frequency). This sequence change creates a premature translational stop signal (p.Gln570*) in the KCNQ2 gene. It is expected to result in an absent or disrupted protein product. Loss-of-function variants in KCNQ2 are known to be pathogenic (PMID: 14534157, 23692823, 27779742).

Literature cited by the submitters: PubMed 14534157; PubMed 23692823; PubMed 27779742.